The following is an entry in ClinVar:

NM_032119.4(ADGRV1):c.8387-8A>G

Gene: ADGRV1 (adhesion G protein-coupled receptor V1; plus strand). Cytogenetic location: 5q14.3.
Variant type: single nucleotide variant.
Coding change: c.8387-8A>G on transcript NM_032119.4 (MANE Select); 8 bases into the intron before coding-DNA position 8387, A replaced by G.
Molecular consequence: intron variant.
Genome position (GRCh38, 1-based): chr5:90,705,392, A>G. VCF-style: chr5-90705392-A-G. GRCh37 (hg19) VCF-style: chr5-90001209-A-G.
Other names: c.8387-8A>G (NM_032119.3).
Identifiers: ClinVar variation 1118537 (VCV001118537.15), dbSNP rs747409190, ClinGen allele CA122802924.

ClinVar aggregate classification (germline): Likely benign. Review status: criteria provided, multiple submitters, no conflicts (2 of 4 stars). 5 submissions from 5 submitters: Likely benign (4). 1 of the submissions does not count toward it. Last evaluated 2026-07-01.

Conditions:
ADGRV1-related disorder. Also called: ADGRV1-related disorders; ADGRV1-related condition.

Allele frequency attached by ClinVar (database versions not stated): gnomAD exomes 0.00001; gnomAD 0.00002 and 0.00003; TOPMed 0.00005.
gnomAD v4.1: 24 of 1,612,468 alleles (0.0015%); highest among the groups gnomAD compares: Admixed American, 0.013%; no homozygotes.

Submissions (5):

CeGaT Center for Human Genetics Tuebingen
Classification: Likely benign. Last evaluated: 2026-07-01. Review status: criteria provided, single submitter. Criteria: CeGaT Center For Human Genetics Tuebingen Variant Classification Criteria Version 2. Collection method: clinical testing. Allele origin: germline. Affected: yes. Observed: 1 variant allele.
Comment: ADGRV1: BP4

Labcorp Genetics (formerly Invitae), Labcorp
Classification: Likely benign. Last evaluated: 2024-03-18. Review status: criteria provided, single submitter. Criteria: Invitae Variant Classification Sherloc (09022015). Collection method: clinical testing. Allele origin: germline.

Blueprint Genetics
Classification: Likely benign. Last evaluated: 2022-09-16. Review status: criteria provided, single submitter. Criteria: ACMG Guidelines, 2015. Collection method: clinical testing. Allele origin: germline.

GeneDx
Classification: Likely benign. Last evaluated: 2021-05-12. Review status: criteria provided, single submitter. Criteria: GeneDx Variant Classification Process June 2021. Collection method: clinical testing. Allele origin: germline. Affected: yes.

PreventionGenetics, part of Exact Sciences
Classification: Likely benign for ADGRV1-related condition. Last evaluated: 2019-02-26. Review status: no assertion criteria provided. Collection method: clinical testing. Allele origin: germline. Not counted in ClinVar's aggregate classification.
Comment: This variant is classified as likely benign based on ACMG/AMP sequence variant interpretation guidelines (Richards et al. 2015 PMID: 25741868, with internal and published modifications).